The following is an entry in ClinVar:

ClinVar aggregate classification (germline): Pathogenic/Likely pathogenic. Review status: criteria provided, multiple submitters, no conflicts (2 of 4 stars). 3 submissions from 3 submitters: Pathogenic (1); Likely pathogenic (2). Last evaluated 2026-04-06.

Conditions:
KIF7-related disorder. Also called: KIF7-related condition.

gnomAD v4.1: 10 of 1,612,910 alleles (0.00062%); highest among the groups gnomAD compares: African/African-American, 0.0027%; no homozygotes.

Submissions (3):

GeneDx
Classification: Pathogenic. Last evaluated: 2026-04-06. Review status: criteria provided, single submitter. Criteria: GeneDx Variant Classification Process June 2021. Collection method: clinical testing. Allele origin: germline.
Comment: Nonsense variant predicted to result in protein truncation or nonsense mediated decay in a gene for which loss of function is a known mechanism of disease; Not observed at significant frequency in large population cohorts (gnomAD); Has not been previously published as pathogenic or benign to our knowledge

3billion
Classification: Likely pathogenic for KIF7-related disorder. Last evaluated: 2025-11-28. Review status: criteria provided, single submitter. Criteria: ACMG Guidelines, 2015. Collection method: clinical testing. Allele origin: germline. Affected: yes.
Comment: The variant is observed at an extremely low frequency in the gnomAD v4.1.0 dataset (total allele frequency: <0.001%). Predicted Consequence/Location: Stop-gained (nonsense): predicted to result in a loss or disruption of normal protein function through nonsense-mediated decay (NMD) or protein truncation. Multiple pathogenic variants are reported downstream of the variant. Therefore, this variant is classified as Likely pathogenic according to the recommendation of ACMG/AMP guideline.

Blueprint Genetics
Classification: Likely pathogenic for KIF7-related disorders. Last evaluated: 2023-12-29. Review status: criteria provided, single submitter. Criteria: ACMG Guidelines, 2015. Collection method: clinical testing. Allele origin: germline. Affected: yes. Observed: 2 variant alleles.

NM_198525.3(KIF7):c.2458C>T (p.Arg820Ter)

Gene: KIF7 (kinesin family member 7; minus strand). Cytogenetic location: 15q26.1.
Variant type: single nucleotide variant.
Coding change: c.2458C>T on transcript NM_198525.3 (MANE Select); coding-DNA position 2458, C replaced by T.
Protein change: p.Arg820Ter; replaces arginine 820 with a stop codon.
Molecular consequence: nonsense.
Genome position (GRCh38, 1-based): chr15:89,633,820, G>A on the plus strand (C>T on the coding strand, the complement: KIF7 is on the minus strand). VCF-style: chr15-89633820-G-A. GRCh37 (hg19) VCF-style: chr15-90177051-G-A.
Other names: c.2458C>T (NM_198525.2); short protein forms R820*.
Identifiers: ClinVar variation 4855990 (VCV004855990.3).